The following is an entry in ClinVar:

NM_001372044.2(SHANK3):c.2056_2059delinsCA (p.Glu686fs)

Genes: SHANK3 (SH3 and multiple ankyrin repeat domains 3; plus strand), LOC126863188 (CDK7 strongly-dependent group 2 enhancer GRCh37_chr22:51142004-51143203; plus strand). Cytogenetic location: 22q13.33.
Variant type: Indel.
Coding change: c.2056_2059delinsCA on transcript NM_001372044.2 (MANE Select); coding-DNA positions 2056 to 2059, GAGT replaced by CA.
Protein change: p.Glu686fs; shifts the reading frame from glutamic acid 686.
Molecular consequence: frameshift variant.
Genome position (GRCh38, 1-based): chr22:50,704,797-50,704,800, GAGT replaced by CA. VCF-style: chr22-50704797-GAGT-CA. GRCh37 (hg19) VCF-style: chr22-51143225-GAGT-CA.
Other names: c.1831_1834delGAGTinsCA, p.Glu611Hisfs (NM_033517.1); short protein forms E686fs.
Identifiers: ClinVar variation 2571166 (VCV002571166.27), dbSNP rs2518405969, ClinGen allele CA2580615342.

ClinVar aggregate classification (germline): Pathogenic (1 of 4 stars; one submission).

Submission:

CeGaT Center for Human Genetics Tuebingen
Classification: Pathogenic. Last evaluated: 2023-05-01. Review status: criteria provided, single submitter. Criteria: CeGaT Center For Human Genetics Tuebingen Variant Classification Criteria Version 2. Collection method: clinical testing. Allele origin: germline. Affected: yes. Observed: 1 variant allele.
Comment: SHANK3: PVS1, PM2